The following is an entry in ClinVar:

ClinVar aggregate classification (germline): Benign/Likely benign. Review status: criteria provided, multiple submitters, no conflicts (2 of 4 stars). 8 submissions from 8 submitters: Benign (2); Likely benign (5). 1 of the submissions does not count toward it. Last evaluated 2026-02-02.

Conditions:
Xeroderma pigmentosum, group F (XPF). Also called: XERODERMA PIGMENTOSUM VI; XP, GROUP F; XERODERMA PIGMENTOSUM, TYPE F; Xeroderma pigmentosum, type 6; XERODERMA PIGMENTOSUM, COMPLEMENTATION GROUP F; ERCC4-Related Xeroderma Pigmentosum. Identifiers: MedGen C0268140, MONDO:0010215, OMIM 278760.
Cockayne syndrome. Identifiers: Orphanet 191, MedGen C0009207, MONDO:0016006.
Fanconi anemia complementation group Q. Identifiers: Orphanet 84, MedGen C3808988, MONDO:0014108, OMIM 615272.
Xeroderma pigmentosum (XP). Identifiers: Orphanet 910, MedGen C0043346, MONDO:0019600.

Allele frequency attached by ClinVar (database versions not stated): TOPMed 0.00045; 1000 Genomes Project 30x 0.00437; 1000 Genomes Project 0.00459.

Submissions (8):

Labcorp Genetics (formerly Invitae), Labcorp
Classification: Benign for Fanconi anemia complementation group Q; Xeroderma pigmentosum, group F; Cockayne syndrome. Last evaluated: 2026-02-02. Review status: criteria provided, single submitter. Criteria: Invitae Variant Classification Sherloc (09022015). Collection method: clinical testing. Allele origin: germline.

ARUP Laboratories, Molecular Genetics and Genomics, ARUP Laboratories
Classification: Likely benign. Last evaluated: 2025-06-10. Review status: criteria provided, single submitter. Criteria: ARUP Molecular Germline Variant Investigation Process 2024. Collection method: clinical testing. Allele origin: germline.

Blueprint Genetics
Classification: Likely benign. Last evaluated: 2024-10-28. Review status: criteria provided, single submitter. Criteria: ACMG Guidelines, 2015. Collection method: clinical testing. Allele origin: germline.

CeGaT Center for Human Genetics Tuebingen
Classification: Likely benign. Last evaluated: 2023-09-01. Review status: criteria provided, single submitter. Criteria: CeGaT Center For Human Genetics Tuebingen Variant Classification Criteria Version 2. Collection method: clinical testing. Allele origin: germline. Affected: yes. Observed: 1 variant allele.
Comment: ERCC4: BP4

KCCC/NGS Laboratory, Kuwait Cancer Control Center
Classification: Likely benign for Xeroderma pigmentosum, group F. Last evaluated: 2023-07-07. Review status: criteria provided, single submitter. Criteria: ACMG Guidelines, 2015. Collection method: clinical testing. Allele origin: germline. Affected: yes.

Sema4
Classification: Benign for Xeroderma pigmentosum. Last evaluated: 2021-11-27. Review status: criteria provided, single submitter. Criteria: Sema4 Curation Guidelines. Collection method: curation. Allele origin: germline.

Genetic Services Laboratory, University of Chicago
Classification: Likely benign. Last evaluated: 2021-11-19. Review status: criteria provided, single submitter. Criteria: ACMG Guidelines, 2015. Collection method: clinical testing. Allele origin: germline. Affected: no.

ITMI
No classification provided. Condition: AllHighlyPenetrant. Last evaluated: 2013-09-19. Review status: no classification provided. Collection method: reference population. Allele origin: germline. Not counted in ClinVar's aggregate classification.
Comment: Please see associated publication for description of ethnicities

Literature cited by the submitters: PubMed 24728327 (cited by ITMI).

NM_005236.3(ERCC4):c.241G>T (p.Val81Phe)

Gene: ERCC4 (ERCC excision repair 4, endonuclease catalytic subunit; plus strand). Cytogenetic location: 16p13.12.
Variant type: single nucleotide variant.
Coding change: c.241G>T on transcript NM_005236.3 (MANE Select); coding-DNA position 241, G replaced by T.
Protein change: p.Val81Phe; replaces valine 81 with phenylalanine.
Molecular consequence: missense variant.
Genome position (GRCh38, 1-based): chr16:13,922,064, G>T. VCF-style: chr16-13922064-G-T. GRCh37 (hg19) VCF-style: chr16-14015921-G-T.
Other names: short protein forms V81F.
Identifiers: ClinVar variation 134144 (VCV000134144.42), dbSNP rs55761944, ClinGen allele CA158894.